The following is an entry in ClinVar:

NM_003978.5(PSTPIP1):c.1034A>C (p.Tyr345Ser)

Gene: PSTPIP1 (proline-serine-threonine phosphatase interacting protein 1; plus strand). Cytogenetic location: 15q24.3.
Variant type: single nucleotide variant.
Coding change: c.1034A>C on transcript NM_003978.5 (MANE Select); coding-DNA position 1034, A replaced by C.
Protein change: p.Tyr345Ser; replaces tyrosine 345 with serine.
Molecular consequence: missense variant. On other transcripts: non-coding transcript variant (1).
Genome position (GRCh38, 1-based): chr15:77,035,850, A>C. VCF-style: chr15-77035850-A-C. GRCh37 (hg19) VCF-style: chr15-77328191-A-C.
Other names: c.977A>C, p.Tyr326Ser (NM_001321135.2); c.1007A>C, p.Tyr336Ser (NM_001321136.2); c.1229A>C, p.Tyr410Ser (NM_001321137.1); c.1025A>C, p.Tyr342Ser (NM_001411086.1); short protein forms Y326S, Y345S, Y336S, Y410S, Y342S.
Identifiers: ClinVar variation 3635877 (VCV003635877.2).

ClinVar aggregate classification (germline): Uncertain significance (1 of 4 stars; one submission).

Conditions:
Pyogenic arthritis-pyoderma gangrenosum-acne syndrome (PAPA). Also called: FAMILIAL RECURRENT ARTHRITIS; PAPA SYNDROME. Identifiers: Orphanet 69126, MedGen C1858361, MONDO:0011462, OMIM 604416.

Submission:

Labcorp Genetics (formerly Invitae), Labcorp
Classification: Uncertain significance for Pyogenic arthritis-pyoderma gangrenosum-acne syndrome. Last evaluated: 2024-03-14. Review status: criteria provided, single submitter. Criteria: Invitae Variant Classification Sherloc (09022015). Collection method: clinical testing. Allele origin: germline.
Comment: This sequence change replaces tyrosine, which is neutral and polar, with serine, which is neutral and polar, at codon 345 of the PSTPIP1 protein (p.Tyr345Ser). This variant is not present in population databases (gnomAD no frequency). This variant has not been reported in the literature in individuals affected with PSTPIP1-related conditions. Advanced modeling of protein sequence and biophysical properties (such as structural, functional, and spatial information, amino acid conservation, physicochemical variation, residue mobility, and thermodynamic stability) performed at Invitae indicates that this missense variant is not expected to disrupt PSTPIP1 protein function with a negative predictive value of 80%. Algorithms developed to predict the effect of sequence changes on RNA splicing suggest that this variant may create or strengthen a splice site. In summary, the available evidence is currently insufficient to determine the role of this variant in disease. Therefore, it has been classified as a Variant of Uncertain Significance.